The following is an entry in ClinVar:

ClinVar aggregate classification (germline): Uncertain significance (1 of 4 stars; one submission).

Conditions:
Dilated cardiomyopathy 1O (CMD1O). Also called: CARDIOMYOPATHY, DILATED, WITH VENTRICULAR TACHYCARDIA. Identifiers: Orphanet 154, MedGen C1837839, MONDO:0012062, OMIM 608569.

Allele frequency attached by ClinVar (database versions not stated): gnomAD exomes below 0.00001.
gnomAD v4.1: 2 of 1,613,126 alleles (0.00012%); highest among the groups gnomAD compares: Non-Finnish European, 0.00017%; no homozygotes.

Submission:

Labcorp Genetics (formerly Invitae), Labcorp
Classification: Uncertain significance for Dilated cardiomyopathy 1O. Last evaluated: 2024-01-31. Review status: criteria provided, single submitter. Criteria: Invitae Variant Classification Sherloc (09022015). Collection method: clinical testing. Allele origin: germline.
Comment: This sequence change replaces methionine, which is neutral and non-polar, with isoleucine, which is neutral and non-polar, at codon 925 of the ABCC9 protein (p.Met925Ile). This variant is not present in population databases (gnomAD no frequency). This variant has not been reported in the literature in individuals affected with ABCC9-related conditions. Advanced modeling of protein sequence and biophysical properties (such as structural, functional, and spatial information, amino acid conservation, physicochemical variation, residue mobility, and thermodynamic stability) performed at Invitae indicates that this missense variant is not expected to disrupt ABCC9 protein function with a negative predictive value of 95%. In summary, the available evidence is currently insufficient to determine the role of this variant in disease. Therefore, it has been classified as a Variant of Uncertain Significance.

NM_020297.4(ABCC9):c.2775G>C (p.Met925Ile)

Gene: ABCC9 (ATP binding cassette subfamily C member 9; minus strand). Cytogenetic location: 12p12.1.
Variant type: single nucleotide variant.
Coding change: c.2775G>C on transcript NM_020297.4 (MANE Select); coding-DNA position 2775, G replaced by C.
Protein change: p.Met925Ile; replaces methionine 925 with isoleucine.
Molecular consequence: missense variant.
Genome position (GRCh38, 1-based): chr12:21,848,241, C>G on the plus strand (G>C on the coding strand, the complement: ABCC9 is on the minus strand). VCF-style: chr12-21848241-C-G. GRCh37 (hg19) VCF-style: chr12-22001175-C-G.
Other names: c.2775G>C, p.Met925Ile (NM_001377273.1, NM_005691.4); c.1908G>C, p.Met636Ile (NM_001377274.1); short protein forms M636I, M925I.
Identifiers: ClinVar variation 2903116 (VCV002903116.3), dbSNP rs2541103401, ClinGen allele CA384122435.
Genomic context (GRCh38, chr12:21,848,241, plus strand): 5'-TTCTCTTGAATACATGGCCCGTCGGAGAGTTTTCCTCTCTAAAGTAGTTTGGTCAGCTTC[C>G]ATATCCTGCAGTAAACATTGTACTATCATGCAAGGAGCTAACACCAATAGGTTGTGACTT-3'
Protein context (NP_064693.2, residues 915-935): NRQDQELEKD[Met925Ile]EADQTTLERK